The following is an entry in ClinVar:

ClinVar aggregate classification (germline): Uncertain significance (1 of 4 stars; one submission).

Conditions:
Multiple congenital exostosis (EXT). Also called: Hereditary multiple osteochondromas; Multiple exostoses; Multiple osteochondromas; MULTIPLE CARTILAGINOUS EXOSTOSES; Hereditary multiple exostoses; Hereditary multiple exostosis. Identifiers: Orphanet 321, MedGen C0015306, MONDO:0005508, HP:0002762.

Submission:

Labcorp Genetics (formerly Invitae), Labcorp
Classification: Uncertain significance for Multiple congenital exostosis. Last evaluated: 2023-01-26. Review status: criteria provided, single submitter. Criteria: Invitae Variant Classification Sherloc (09022015). Collection method: clinical testing. Allele origin: germline.
Comment: This sequence change replaces cysteine, which is neutral and slightly polar, with arginine, which is basic and polar, at codon 510 of the EXT1 protein (p.Cys510Arg). This variant is not present in population databases (gnomAD no frequency). This variant has not been reported in the literature in individuals affected with EXT1-related conditions. Advanced modeling of protein sequence and biophysical properties (such as structural, functional, and spatial information, amino acid conservation, physicochemical variation, residue mobility, and thermodynamic stability) performed at Invitae indicates that this missense variant is expected to disrupt EXT1 protein function. In summary, the available evidence is currently insufficient to determine the role of this variant in disease. Therefore, it has been classified as a Variant of Uncertain Significance.

NM_000127.3(EXT1):c.1528T>C (p.Cys510Arg)

Gene: EXT1 (exostosin glycosyltransferase 1; minus strand). Cytogenetic location: 8q24.11.
Variant type: single nucleotide variant.
Coding change: c.1528T>C on transcript NM_000127.3 (MANE Select); coding-DNA position 1528, T replaced by C.
Protein change: p.Cys510Arg; replaces cysteine 510 with arginine.
Molecular consequence: missense variant.
Genome position (GRCh38, 1-based): chr8:117,819,684, A>G on the plus strand (T>C on the coding strand, the complement: EXT1 is on the minus strand). VCF-style: chr8-117819684-A-G. GRCh37 (hg19) VCF-style: chr8-118831923-A-G.
Other names: short protein forms C510R.
Identifiers: ClinVar variation 2895964 (VCV002895964.3), dbSNP rs2488109004, ClinGen allele CA371884492.